The following is an entry in ClinVar:

NM_006623.4(PHGDH):c.290+2T>C

Gene: PHGDH (phosphoglycerate dehydrogenase; plus strand). Cytogenetic location: 1p12.
Variant type: single nucleotide variant.
Coding change: c.290+2T>C on transcript NM_006623.4 (MANE Select); the canonical splice donor site of the intron after coding-DNA position 290, T replaced by C.
Molecular consequence: splice donor variant.
Genome position (GRCh38, 1-based): chr1:119,721,323, T>C. VCF-style: chr1-119721323-T-C. GRCh37 (hg19) VCF-style: chr1-120263946-T-C.
Identifiers: ClinVar variation 280721 (VCV000280721.15), dbSNP rs886041874, ClinGen allele CA10602729.
Genomic context (GRCh38, chr1:119,721,323, plus strand): 5'-ACAGGTGTGGACAATGTGGATCTGGAGGCCGCAACAAGGAAGGGCATCTTGGTTATGAAG[T>C]AAGTCATGGAGGCTGCGGGCGGTTTGGGGGTAGGGGGGTGAGTGCGGAGACTGACCACAC-3'

ClinVar aggregate classification (germline): Pathogenic/Likely pathogenic. Review status: criteria provided, multiple submitters, no conflicts (2 of 4 stars). 7 submissions from 5 submitters: Pathogenic (3); Likely pathogenic (4). Last evaluated 2024-04-25.

Conditions:
PHGDH deficiency. Identifiers: Orphanet 79351, MedGen C1866174, MONDO:0011152, OMIM 601815.
Neu-Laxova syndrome 1 (NLS1). Identifiers: Orphanet 2671, Orphanet 583607, MedGen C4551478, MONDO:0009736, OMIM 256520. Disease mechanism: loss of function.
Seizure. Also called: Seizures. Identifiers: MedGen C0036572, HP:0001250.
Epileptic encephalopathy. Identifiers: MedGen C0543888, HP:0200134.

Allele frequency attached by ClinVar (database versions not stated): gnomAD exomes below 0.00001.
gnomAD v4.1: 4 of 1,613,488 alleles (0.00025%); highest among the groups gnomAD compares: Non-Finnish European, 0.00025%; no homozygotes.

Submissions (7):

Institute of Immunology and Genetics Kaiserslautern
Classification: Pathogenic for PHGDH deficiency. Last evaluated: 2024-04-25. Review status: criteria provided, single submitter. Criteria: ACMG Guidelines, 2015. Collection method: clinical testing. Allele origin: germline. Affected: yes.
Comment: ACMG Criteria: PM2, PVS1, PP5; Variant was found in heterozygous state

Genome-Nilou Lab
Classification: Likely pathogenic for Neu-Laxova syndrome 1. Last evaluated: 2023-04-11. Review status: criteria provided, single submitter. Criteria: ACMG Guidelines, 2015. Collection method: clinical testing. Allele origin: germline. Affected: no.

Genome-Nilou Lab
Classification: Likely pathogenic for PHGDH deficiency. Last evaluated: 2023-04-11. Review status: criteria provided, single submitter. Criteria: ACMG Guidelines, 2015. Collection method: clinical testing. Allele origin: germline. Affected: no.

Labcorp Genetics (formerly Invitae), Labcorp
Classification: Pathogenic for PHGDH deficiency. Last evaluated: 2022-04-24. Review status: criteria provided, single submitter. Criteria: Invitae Variant Classification Sherloc (09022015). Collection method: clinical testing. Allele origin: germline.
Comment: This sequence change affects a donor splice site in intron 2 of the PHGDH gene. It is expected to disrupt RNA splicing. Variants that disrupt the donor or acceptor splice site typically lead to a loss of protein function (PMID: 16199547), and loss-of-function variants in PHGDH are known to be pathogenic (PMID: 14645240, 24836451). This variant is present in population databases (no rsID available, gnomAD 0.0009%). Disruption of this splice site has been observed in individual(s) with phosphoglycerate dehydrogenase deficiency or syndromic epilepsy (PMID: 29286531, 29703746). ClinVar contains an entry for this variant (Variation ID: 280721). Algorithms developed to predict the effect of sequence changes on RNA splicing suggest that this variant may disrupt the consensus splice site. For these reasons, this variant has been classified as Pathogenic.

GeneDx
Classification: Pathogenic. Last evaluated: 2016-07-06. Review status: criteria provided, single submitter. Criteria: GeneDx Variant Classification (06012015). Collection method: clinical testing. Allele origin: germline. Affected: yes.
Comment: The c.290+2T>C variant in the PHGDH gene has not been reported previously as a pathogenic variant nor as a benign variant, to our knowledge. This splice site variant destroys the canonical splice donor site in intron 2. It is predicted to cause abnormal gene splicing, either leading to an abnormal message that is subject to nonsense-mediated mRNA decay, or to an abnormal protein product if the message is used for protein translation. The c.290+2T>C variant was not observed in approximately 6500 individuals of European and African American ancestry in the NHLBI Exome Sequencing Project, indicating it is not a common benign variant in these populations. We interpret c.290+2T>C as a pathogenic variant.

Centre for Mendelian Genomics, University Medical Centre Ljubljana
Classification: Likely pathogenic for PHGDH deficiency. Last evaluated: 2016-01-01. Review status: criteria provided, single submitter. Criteria: ACMG Guidelines, 2015. Collection method: clinical testing. Allele origin: unknown. Affected: yes.
Comment: This variant was classified as: Likely pathogenic.

Centre for Mendelian Genomics, University Medical Centre Ljubljana
Classification: Likely pathogenic for Epileptic encephalopathy; Seizure. Last evaluated: 2014-06-11. Review status: criteria provided, single submitter. Criteria: ACMG Guidelines, 2015. Collection method: clinical testing. Allele origin: unknown. Affected: yes.

Literature cited by the submitters: PubMed 16199547 (cited by Labcorp Genetics (formerly Invitae), Labcorp); PubMed 14645240 (cited by Labcorp Genetics (formerly Invitae), Labcorp); PubMed 24836451 (cited by Labcorp Genetics (formerly Invitae), Labcorp); PubMed 29286531 (cited by Labcorp Genetics (formerly Invitae), Labcorp); PubMed 29703746 (cited by Labcorp Genetics (formerly Invitae), Labcorp).